The following is an entry in ClinVar:

NM_024529.5(CDC73):c.316G>A (p.Ala106Thr)

Gene: CDC73 (cell division cycle 73; plus strand). Cytogenetic location: 1q31.2.
Variant type: single nucleotide variant.
Coding change: c.316G>A on transcript NM_024529.5 (MANE Select); coding-DNA position 316, G replaced by A.
Protein change: p.Ala106Thr; replaces alanine 106 with threonine.
Molecular consequence: missense variant.
Genome position (GRCh38, 1-based): chr1:193,135,399, G>A. VCF-style: chr1-193135399-G-A. GRCh37 (hg19) VCF-style: chr1-193104529-G-A.
Other names: short protein forms A106T.
Identifiers: ClinVar variation 1728415 (VCV001728415.5), dbSNP rs369254776, ClinGen allele CA1303330.
Genomic context (GRCh38, chr1:193,135,399, plus strand): 5'-CAATATATATGTTGAAATAGTAATCCTTACGTGAATCTTTTTATGTCTTCAGCAACATCG[G>A]CAAGTATAGACAGAAGCGCTCCCTTAGAAATAGGTCTTCAGCGATCTACTCAAGGTATGT-3'
Protein context (NP_078805.3, residues 96-116): GYLNGEASTS[Ala106Thr]SIDRSAPLEI

ClinVar aggregate classification (germline): Uncertain significance. Review status: criteria provided, multiple submitters, no conflicts (2 of 4 stars). 2 submissions from 2 submitters: Uncertain significance (2). Last evaluated 2023-08-27.

Conditions:
Hereditary cancer-predisposing syndrome. Also called: Tumor predisposition; Neoplastic Syndromes, Hereditary; Hereditary Cancer Syndrome; Hereditary neoplastic syndrome. Identifiers: Orphanet 140162, MedGen C0027672, MeSH D009386, MONDO:0015356.
Parathyroid carcinoma (PRTC). Also called: CDC73-Related Parathyroid Carcinoma; Parathyroid gland carcinoma. Identifiers: Orphanet 143, MedGen C0687150, MONDO:0012004, OMIM 608266, HP:0006780.

Allele frequency attached by ClinVar (database versions not stated): gnomAD exomes below 0.00001; TOPMed below 0.00001; ExAC 0.00001; gnomAD 0.00001; ESP Exome Variant Server 0.00008.
gnomAD v4.1: 3 of 1,612,614 alleles (0.00019%); highest among the groups gnomAD compares: South Asian, 0.0011%; no homozygotes.

Submissions (2):

Labcorp Genetics (formerly Invitae), Labcorp
Classification: Uncertain significance for Parathyroid carcinoma. Last evaluated: 2023-08-27. Review status: criteria provided, single submitter. Criteria: Invitae Variant Classification Sherloc (09022015). Collection method: clinical testing. Allele origin: germline.
Comment: Advanced modeling of protein sequence and biophysical properties (such as structural, functional, and spatial information, amino acid conservation, physicochemical variation, residue mobility, and thermodynamic stability) performed at Invitae indicates that this missense variant is not expected to disrupt CDC73 protein function. ClinVar contains an entry for this variant (Variation ID: 1728415). This variant has not been reported in the literature in individuals affected with CDC73-related conditions. This variant is present in population databases (rs369254776, gnomAD 0.0009%). This sequence change replaces alanine, which is neutral and non-polar, with threonine, which is neutral and polar, at codon 106 of the CDC73 protein (p.Ala106Thr). In summary, the available evidence is currently insufficient to determine the role of this variant in disease. Therefore, it has been classified as a Variant of Uncertain Significance.

Ambry Genetics
Classification: Uncertain significance for Hereditary cancer-predisposing syndrome. Last evaluated: 2020-04-13. Review status: criteria provided, single submitter. Criteria: Ambry Variant Classification Scheme 2023. Collection method: clinical testing. Allele origin: germline.
Comment: The p.A106T variant (also known as c.316G>A), located in coding exon 4 of the CDC73 gene, results from a G to A substitution at nucleotide position 316. The alanine at codon 106 is replaced by threonine, an amino acid with similar properties. This amino acid position is not well conserved in available vertebrate species. In addition, this alteration is predicted to be tolerated by in silico analysis. Since supporting evidence is limited at this time, the clinical significance of this alteration remains unclear.